The following is an entry in ClinVar:

ClinVar aggregate classification (germline): Uncertain significance (1 of 4 stars; one submission).

Conditions:
Osteogenesis imperfecta type 7 (OI7). Also called: OSTEOGENESIS IMPERFECTA, TYPE IIB; Osteogenesis imperfecta type 2B; OI type 2B; Osteogenesis imperfecta, perinatal lethal autosomal recessive; OI type IIB; OI type 7. Identifiers: MedGen C1853162, MONDO:0012536, OMIM 610682.

Allele frequency attached by ClinVar (database versions not stated): 1000 Genomes Project 30x 0.00016; 1000 Genomes Project 0.00020.
gnomAD v4.1: 77 of 1,588,852 alleles (0.0048%); highest among the groups gnomAD compares: South Asian, 0.08%; 2 homozygotes.

Submission:

Labcorp Genetics (formerly Invitae), Labcorp
Classification: Uncertain significance for Osteogenesis imperfecta type 7. Last evaluated: 2017-08-09. Review status: criteria provided, single submitter. Criteria: Invitae Variant Classification Sherloc (09022015). Collection method: clinical testing. Allele origin: germline.
Comment: This sequence change replaces arginine with cysteine at codon 30 of the CRTAP protein (p.Arg30Cys). The arginine residue is moderately conserved and there is a large physicochemical difference between arginine and cysteine. This variant is present in population databases (rs553076085, ExAC 0.06%). This variant has not been reported in the literature in individuals with CRTAP-related disease. Algorithms developed to predict the effect of missense changes on protein structure and function do not agree on the potential impact of this missense change (SIFT: "Deleterious"; PolyPhen-2: "Possibly Damaging"; Align-GVGD: "Class C0"). In summary, the available evidence is currently insufficient to determine the role of this variant in disease. Therefore, it has been classified as a Variant of Uncertain Significance.

NM_006371.5(CRTAP):c.88C>T (p.Arg30Cys)

Gene: CRTAP (cartilage associated protein; plus strand). Cytogenetic location: 3p22.3.
Variant type: single nucleotide variant.
Coding change: c.88C>T on transcript NM_006371.5 (MANE Select); coding-DNA position 88, C replaced by T.
Protein change: p.Arg30Cys; replaces arginine 30 with cysteine.
Molecular consequence: missense variant.
Genome position (GRCh38, 1-based): chr3:33,114,165, C>T. VCF-style: chr3-33114165-C-T. GRCh37 (hg19) VCF-style: chr3-33155657-C-T.
Other names: c.88C>T, p.Arg30Cys (NM_001393363.1, NM_001393364.1, NM_001393365.1); short protein forms R30C.
Identifiers: ClinVar variation 534204 (VCV000534204.1), dbSNP rs553076085, ClinGen allele CA2300189.